The following is an entry in ClinVar:

NM_002691.4(POLD1):c.1635C>T (p.Tyr545=)

Gene: POLD1 (DNA polymerase delta 1, catalytic subunit; plus strand). Cytogenetic location: 19q13.33.
Variant type: single nucleotide variant.
Coding change: c.1635C>T on transcript NM_002691.4 (MANE Select); coding-DNA position 1635, C replaced by T.
Protein change: p.Tyr545=; no amino-acid change (tyrosine 545 retained).
Molecular consequence: synonymous variant. On other transcripts: non-coding transcript variant (1).
Genome position (GRCh38, 1-based): chr19:50,407,123, C>T. VCF-style: chr19-50407123-C-T. GRCh37 (hg19) VCF-style: chr19-50910380-C-T.
Other names: c.1635C>T, p.Tyr545= (NM_001256849.1, NM_001308632.1).
Identifiers: ClinVar variation 386100 (VCV000386100.19), dbSNP rs1057522415, ClinGen allele CA16609018.

ClinVar aggregate classification (germline): Benign/Likely benign. Review status: criteria provided, multiple submitters, no conflicts (2 of 4 stars). 5 submissions from 5 submitters: Benign (1); Likely benign (4). Last evaluated 2026-01-06.

Conditions:
POLD1-related polyposis and colorectal cancer syndrome (CRCS10). Also called: Colorectal cancer, susceptibility to, 10; Colorectal cancer 10; COLORECTAL CANCER, SUSCEPTIBILITY TO, ON CHROMOSOME 19q. Identifiers: Orphanet 220460, MedGen C2675481, MONDO:0012953, OMIM 612591.
Hereditary cancer-predisposing syndrome. Also called: Neoplastic Syndromes, Hereditary; Hereditary neoplastic syndrome; Hereditary Cancer Syndrome; Tumor predisposition. Identifiers: Orphanet 140162, MedGen C0027672, MeSH D009386, MONDO:0015356.

Allele frequency attached by ClinVar (database versions not stated): gnomAD 0.00001; gnomAD exomes 0.00001; TOPMed 0.00001.
gnomAD v4.1: 17 of 1,613,384 alleles (0.0011%); highest among the groups gnomAD compares: Admixed American, 0.0017%; no homozygotes.

Submissions (5):

Labcorp Genetics (formerly Invitae), Labcorp
Classification: Likely benign for POLD1-related polyposis and colorectal cancer syndrome. Last evaluated: 2026-01-06. Review status: criteria provided, single submitter. Criteria: Invitae Variant Classification Sherloc (09022015). Collection method: clinical testing. Allele origin: germline.

Myriad Genetics, Inc.
Classification: Benign for POLD1-related polyposis and colorectal cancer syndrome. Last evaluated: 2025-02-07. Review status: criteria provided, single submitter. Criteria: Myriad Autosomal Dominant, Autosomal Recessive and X-Linked Classification Criteria (2023). Collection method: clinical testing. Allele origin: unknown.
Comment: This variant is considered benign. This variant is a silent/synonymous amino acid change and it is not expected to impact splicing.

Mendelics
Classification: Likely benign for POLD1-related polyposis and colorectal cancer syndrome. Last evaluated: 2019-05-28. Review status: criteria provided, single submitter. Criteria: Mendelics Assertion Criteria 2017. Collection method: clinical testing. Allele origin: unknown.

GeneDx
Classification: Likely benign. Last evaluated: 2018-08-29. Review status: criteria provided, single submitter. Criteria: GeneDx Variant Classification Process June 2021. Collection method: clinical testing. Allele origin: germline. Affected: yes.

Ambry Genetics
Classification: Likely benign for Hereditary cancer-predisposing syndrome. Last evaluated: 2015-10-09. Review status: criteria provided, single submitter. Criteria: Ambry Variant Classification Scheme 2023. Collection method: clinical testing. Allele origin: germline.